The following is an entry in ClinVar:

NM_033641.4(COL4A6):c.2599C>G (p.Leu867Val)

Gene: COL4A6 (collagen type IV alpha 6 chain; minus strand). Cytogenetic location: Xq22.3.
Variant type: single nucleotide variant.
Coding change: c.2599C>G on transcript NM_033641.4 (MANE Select); coding-DNA position 2599, C replaced by G.
Protein change: p.Leu867Val; replaces leucine 867 with valine.
Molecular consequence: missense variant.
Genome position (GRCh38, 1-based): chrX:108,176,928, G>C on the plus strand (C>G on the coding strand, the complement: COL4A6 is on the minus strand). VCF-style: chrX-108176928-G-C. GRCh37 (hg19) VCF-style: chrX-107420158-G-C.
Other names: c.2650C>G, p.Leu884Val (NM_001287758.2); c.2599C>G, p.Leu867Val (NM_001287759.2, NM_001287760.2, NM_001440760.1); c.2602C>G, p.Leu868Val (NM_001440759.1, NM_001847.4); short protein forms L868V, L867V, L884V.
Identifiers: ClinVar variation 4763194 (VCV004763194.1).

ClinVar aggregate classification (germline): Uncertain significance (1 of 4 stars; one submission).

gnomAD v4.1: 1 of 1,211,698 alleles (0.000083%); highest among the groups gnomAD compares: East Asian, 0.003%; no homozygotes.

Submission:

Labcorp Genetics (formerly Invitae), Labcorp
Classification: Uncertain significance. Last evaluated: 2025-09-29. Review status: criteria provided, single submitter. Criteria: Invitae Variant Classification Sherloc (09022015). Collection method: clinical testing. Allele origin: germline.
Comment: This sequence change replaces leucine, which is neutral and non-polar, with valine, which is neutral and non-polar, at codon 868 of the COL4A6 protein (p.Leu868Val). This variant is not present in population databases (gnomAD no frequency). This variant has not been reported in the literature in individuals affected with COL4A6-related conditions. Invitae Evidence Modeling of protein sequence and biophysical properties (such as structural, functional, and spatial information, amino acid conservation, physicochemical variation, residue mobility, and thermodynamic stability) indicates that this missense variant is not expected to disrupt COL4A6 protein function with a negative predictive value of 80%. In summary, the available evidence is currently insufficient to determine the role of this variant in disease. Therefore, it has been classified as a Variant of Uncertain Significance.